The following is an entry in ClinVar:

NM_001039348.3(EFEMP1):c.-88C>T

Gene: EFEMP1 (EGF-like fibulin extracellular matrix protein 1; minus strand). Cytogenetic location: 2p16.1.
Variant type: single nucleotide variant.
Coding change: c.-88C>T on transcript NM_001039348.3 (MANE Select); 88 bases upstream of the start codon, C replaced by T.
Molecular consequence: 5 prime UTR variant.
Genome position (GRCh38, 1-based): chr2:55,923,750, G>A on the plus strand (C>T on the coding strand, the complement: EFEMP1 is on the minus strand). VCF-style: chr2-55923750-G-A. GRCh37 (hg19) VCF-style: chr2-56150885-G-A.
Other names: c.-47C>T (NM_001039349.3).
Identifiers: ClinVar variation 336638 (VCV000336638.6), dbSNP rs143361440, ClinGen allele CA10613700.

ClinVar aggregate classification (germline): Benign. Review status: criteria provided, multiple submitters, no conflicts (2 of 4 stars). 2 submissions from 2 submitters: Benign (2). Last evaluated 2018-01-12.

Conditions:
Doyne honeycomb retinal dystrophy (DHRD). Also called: DOYNE HONEYCOMB DEGENERATION OF RETINA; MALATTIA LEVENTINESE; DRUSEN, RADIAL, AUTOSOMAL DOMINANT. Identifiers: Orphanet 75376, MedGen C1832174, MONDO:0007471, OMIM 126600.

Allele frequency attached by ClinVar (database versions not stated): gnomAD 0.01833 and 0.02023; 1000 Genomes Project 30x 0.01843; TOPMed 0.01891; 1000 Genomes Project 0.01937; gnomAD exomes 0.02556.
gnomAD v4.1: 24,622 of 986,042 alleles (2.5%); highest among the groups gnomAD compares: South Asian, 7.7%; 388 homozygotes.

Submissions (2):

Illumina Laboratory Services, Illumina
Classification: Benign for Doyne honeycomb retinal dystrophy. Last evaluated: 2018-01-12. Review status: criteria provided, single submitter. Criteria: ICSL Variant Classification Criteria 13 December 2019. Collection method: clinical testing. Allele origin: germline.
Comment: This variant was observed in the ICSL laboratory as part of a predisposition screen in an ostensibly healthy population. It had not been previously curated by ICSL or reported in the Human Gene Mutation Database (HGMD: prior to June 1st, 2018), and was therefore a candidate for classification through an automated scoring system. Utilizing variant allele frequency, disease prevalence and penetrance estimates, and inheritance mode, an automated score was calculated to assess if this variant is too frequent to cause the disease. Based on the score and internal cut-off values, a variant classified as benign is not then subjected to further curation. The score for this variant resulted in a classification of benign for this disease.

Breakthrough Genomics
Classification: Benign. Review status: criteria provided, single submitter. Criteria: ACMG Guidelines, 2015. Collection method: not provided. Allele origin: germline. Inheritance: Autosomal dominant inheritance. Affected: yes.